The following is an entry in ClinVar:

NM_001737.5(C9):c.1163C>A (p.Ser388Tyr)

Gene: C9 (complement C9; minus strand). Cytogenetic location: 5p13.1.
Variant type: single nucleotide variant.
Coding change: c.1163C>A on transcript NM_001737.5 (MANE Select); coding-DNA position 1163, C replaced by A.
Protein change: p.Ser388Tyr; replaces serine 388 with tyrosine.
Molecular consequence: missense variant.
Genome position (GRCh38, 1-based): chr5:39,308,307, G>T on the plus strand (C>A on the coding strand, the complement: C9 is on the minus strand). VCF-style: chr5-39308307-G-T. GRCh37 (hg19) VCF-style: chr5-39308409-G-T.
Other names: short protein forms S388Y.
Identifiers: ClinVar variation 1375557 (VCV001375557.8), dbSNP rs746131219, ClinGen allele CA359554655.
Genomic context (GRCh38, chr5:39,308,307, plus strand): 5'-CTCTTTACACAATCATCTTTATTAAATTCAGCTCCAACAGAGATTTCAGAGAAAGCCAGA[G>T]ATACATCCAGATGATACCCAAGGCATCTCTTTATGTCTTTTAGTTCAACACCTGTTTAAT-3'
Protein context (NP_001728.1, residues 378-398): KRCLGYHLDV[Ser388Tyr]LAFSEISVGA

ClinVar aggregate classification (germline): Uncertain significance (1 of 4 stars; one submission).

Submission:

Labcorp Genetics (formerly Invitae), Labcorp
Classification: Uncertain significance. Last evaluated: 2021-06-15. Review status: criteria provided, single submitter. Criteria: Invitae Variant Classification Sherloc (09022015). Collection method: clinical testing. Allele origin: germline.
Comment: This variant has not been reported in the literature in individuals with C9-related conditions. This variant is not present in population databases (ExAC no frequency). This sequence change replaces serine with tyrosine at codon 388 of the C9 protein (p.Ser388Tyr). The serine residue is moderately conserved and there is a large physicochemical difference between serine and tyrosine. Algorithms developed to predict the effect of missense changes on protein structure and function are either unavailable or do not agree on the potential impact of this missense change (SIFT: "Not Available"; PolyPhen-2: "Probably Damaging"; Align-GVGD: "Not Available"). In summary, the available evidence is currently insufficient to determine the role of this variant in disease. Therefore, it has been classified as a Variant of Uncertain Significance.